The following is an entry in ClinVar:

NM_001999.4(FBN2):c.2113A>T (p.Thr705Ser)

Gene: FBN2 (fibrillin 2; minus strand). Cytogenetic location: 5q23.3.
Variant type: single nucleotide variant.
Coding change: c.2113A>T on transcript NM_001999.4 (MANE Select); coding-DNA position 2113, A replaced by T.
Protein change: p.Thr705Ser; replaces threonine 705 with serine.
Molecular consequence: missense variant.
Genome position (GRCh38, 1-based): chr5:128,369,317, T>A on the plus strand (A>T on the coding strand, the complement: FBN2 is on the minus strand). VCF-style: chr5-128369317-T-A. GRCh37 (hg19) VCF-style: chr5-127705010-T-A.
Other names: short protein forms T705S.
Identifiers: ClinVar variation 4023463 (VCV004023463.2).

ClinVar aggregate classification (germline): Uncertain significance. Review status: criteria provided, multiple submitters, no conflicts (2 of 4 stars). 2 submissions from 2 submitters: Uncertain significance (2). Last evaluated 2025-05-06.

Conditions:
Familial thoracic aortic aneurysm and aortic dissection (TAAD). Also called: Thoracic aortic aneurysms and dissections. Identifiers: Orphanet 91387, MedGen C4707243, MONDO:0019625.

gnomAD v4.1: 2 of 1,614,132 alleles (0.00012%); highest among the groups gnomAD compares: Non-Finnish European, 0.00017%; no homozygotes.

Submissions (2):

Ambry Genetics
Classification: Uncertain significance for Familial thoracic aortic aneurysm and aortic dissection. Last evaluated: 2025-05-06. Review status: criteria provided, single submitter. Criteria: Ambry Variant Classification Scheme 2023. Collection method: clinical testing. Allele origin: germline.
Comment: The p.T705S variant (also known as c.2113A>T), located in coding exon 16 of the FBN2 gene, results from an A to T substitution at nucleotide position 2113. The threonine at codon 705 is replaced by serine, an amino acid with similar properties. This amino acid position is well conserved in available vertebrate species. In addition, the in silico prediction for this alteration is inconclusive. Based on the available evidence, the clinical significance of this variant remains unclear.

Blueprint Genetics
Classification: Uncertain significance. Last evaluated: 2023-12-27. Review status: criteria provided, single submitter. Criteria: ACMG Guidelines, 2015. Collection method: clinical testing. Allele origin: germline.